The following is an entry in ClinVar:

NM_001379451.1(BCORL1):c.1626T>C (p.Asp542=)

Gene: BCORL1 (BCL6 corepressor like 1; plus strand). Cytogenetic location: Xq26.1.
Variant type: single nucleotide variant.
Coding change: c.1626T>C on transcript NM_001379451.1 (MANE Select); coding-DNA position 1626, T replaced by C.
Protein change: p.Asp542=; no amino-acid change (aspartic acid 542 retained).
Molecular consequence: synonymous variant.
Genome position (GRCh38, 1-based): chrX:130,014,398, T>C. VCF-style: chrX-130014398-T-C. GRCh37 (hg19) VCF-style: chrX-129148374-T-C.
Other names: c.1626T>C, p.Asp542= (NM_001184772.3, NM_001379450.1, NM_021946.5).
Identifiers: ClinVar variation 3038720 (VCV003038720.2), dbSNP rs1324174941, ClinGen allele CA518833041.

ClinVar aggregate classification (germline): Likely benign (0 of 4 stars; one submission).

Conditions:
BCORL1-related disorder. Also called: BCORL1-related condition.

Allele frequency attached by ClinVar (database versions not stated): gnomAD exomes below 0.00001.
gnomAD v4.1: 3 of 1,211,505 alleles (0.00025%); highest among the groups gnomAD compares: East Asian, 0.003%; no homozygotes.

Submission:

PreventionGenetics, part of Exact Sciences
Classification: Likely benign for BCORL1-related condition. Last evaluated: 2019-05-23. Review status: no assertion criteria provided. Collection method: clinical testing. Allele origin: germline.
Comment: This variant is classified as likely benign based on ACMG/AMP sequence variant interpretation guidelines (Richards et al. 2015 PMID: 25741868, with internal and published modifications).